The following is an entry in ClinVar:

ClinVar aggregate classification (germline): Uncertain significance (1 of 4 stars; one submission).

Submission:

Labcorp Genetics (formerly Invitae), Labcorp
Classification: Uncertain significance. Last evaluated: 2025-08-31. Review status: criteria provided, single submitter. Criteria: Invitae Variant Classification Sherloc (09022015). Collection method: clinical testing. Allele origin: germline.
Comment: This sequence change affects codon 760 of the CACNA1D mRNA. It is a 'silent' change, meaning that it does not change the encoded amino acid sequence of the CACNA1D protein. It affects a nucleotide within the consensus splice site. This variant is not present in population databases (gnomAD no frequency). This variant has not been reported in the literature in individuals affected with CACNA1D-related conditions. Algorithms developed to predict the effect of sequence changes on RNA splicing suggest that this variant may create or strengthen a splice site. In summary, the available evidence is currently insufficient to determine the role of this variant in disease. Therefore, it has been classified as a Variant of Uncertain Significance.

NM_001128840.3(CACNA1D):c.2220C>T (p.Asn740=)

Gene: CACNA1D (calcium voltage-gated channel subunit alpha1 D; plus strand). Cytogenetic location: 3p21.1.
Variant type: single nucleotide variant.
Coding change: c.2220C>T on transcript NM_001128840.3 (MANE Select); coding-DNA position 2220, C replaced by T.
Protein change: p.Asn740=; no amino-acid change (asparagine 740 retained).
Molecular consequence: synonymous variant.
Genome position (GRCh38, 1-based): chr3:53,726,998, C>T. VCF-style: chr3-53726998-C-T. GRCh37 (hg19) VCF-style: chr3-53761025-C-T.
Other names: c.2280C>T, p.Asn760= (NM_000720.4); c.2220C>T, p.Asn740= (NM_001128839.3).
Identifiers: ClinVar variation 4726382 (VCV004726382.1).